The following is an entry in ClinVar:

NM_001387430.1(SH2B1):c.2195A>T (p.Gln732Leu)

Gene: SH2B1 (SH2B adaptor protein 1; plus strand). Cytogenetic location: 16p11.2.
Variant type: single nucleotide variant.
Coding change: c.2195A>T on transcript NM_001387430.1 (MANE Select); coding-DNA position 2195, A replaced by T.
Protein change: p.Gln732Leu; replaces glutamine 732 with leucine.
Molecular consequence: missense variant. On other transcripts: 3 prime UTR variant (5).
Genome position (GRCh38, 1-based): chr16:28,873,744, A>T. VCF-style: chr16-28873744-A-T. GRCh37 (hg19) VCF-style: chr16-28885065-A-T.
Other names: c.2195A>T, p.Gln732Leu (NM_001145795.2, NM_001308293.2, NM_001387404.1); c.*279A>T (NM_001145796.2, NM_001145812.2, NM_001308294.2 and 1 more transcripts); c.*296A>T (NM_001145797.2); short protein forms Q732L.
Identifiers: ClinVar variation 3043356 (VCV003043356.3), dbSNP rs998944409, ClinGen allele CA279223715.

ClinVar aggregate classification (germline): Uncertain significance. Review status: criteria provided, single submitter (1 of 4 stars). 2 submissions from 2 submitters: Uncertain significance (1). 1 of the submissions does not count toward it. Last evaluated 2024-08-07.

Conditions:
SH2B1-related disorder. Also called: SH2B1-related condition.

Allele frequency attached by ClinVar (database versions not stated): gnomAD 0.00005.
gnomAD v4.1: 96 of 1,487,818 alleles (0.0065%); highest among the groups gnomAD compares: Non-Finnish European, 0.0083%; no homozygotes.

Submissions (2):

Ambry Genetics
Classification: Uncertain significance. Last evaluated: 2024-08-07. Review status: criteria provided, single submitter. Criteria: Ambry Variant Classification Scheme 2023. Collection method: clinical testing. Allele origin: germline.

PreventionGenetics, part of Exact Sciences
Classification: Uncertain significance for SH2B1-related condition. Last evaluated: 2024-07-25. Review status: no assertion criteria provided. Collection method: clinical testing. Allele origin: germline. Not counted in ClinVar's aggregate classification.
Comment: The SH2B1 c.2195A>T variant is predicted to result in the amino acid substitution p.Gln732Leu. To our knowledge, this variant has not been reported in the literature. This variant is reported in 0.012% of alleles in individuals of African descent in gnomAD. At this time, the clinical significance of this variant is uncertain due to the absence of conclusive functional and genetic evidence.